The following is an entry in ClinVar:

ClinVar aggregate classification (germline): Uncertain significance. Review status: criteria provided, multiple submitters, no conflicts (2 of 4 stars). 2 submissions from 2 submitters: Uncertain significance (2). Last evaluated 2023-10-03.

Conditions:
Epileptic encephalopathy. Identifiers: MedGen C0543888, HP:0200134.

Allele frequency attached by ClinVar (database versions not stated): gnomAD exomes below 0.00001.
gnomAD v4.1: 1 of 1,612,888 alleles (0.000062%); highest among the groups gnomAD compares: East Asian, 0.0022%; no homozygotes.

Submissions (2):

Ambry Genetics
Classification: Uncertain significance. Last evaluated: 2023-10-03. Review status: criteria provided, single submitter. Criteria: Ambry Variant Classification Scheme 2023. Collection method: clinical testing. Allele origin: germline.

Labcorp Genetics (formerly Invitae), Labcorp
Classification: Uncertain significance for Epileptic encephalopathy. Last evaluated: 2018-11-30. Review status: criteria provided, single submitter. Criteria: Invitae Variant Classification Sherloc (09022015). Collection method: clinical testing. Allele origin: germline.
Comment: In summary, the available evidence is currently insufficient to determine the role of this variant in disease. Therefore, it has been classified as a Variant of Uncertain Significance. Algorithms developed to predict the effect of missense changes on protein structure and function (SIFT, PolyPhen-2, Align-GVGD) all suggest that this variant is likely to be tolerated, but these predictions have not been confirmed by published functional studies and their clinical significance is uncertain. This variant has not been reported in the literature in individuals with FASN-related conditions. This variant is not present in population databases (ExAC no frequency). This sequence change replaces proline with serine at codon 1985 of the FASN protein (p.Pro1985Ser). The proline residue is highly conserved and there is a moderate physicochemical difference between proline and serine.

NM_004104.5(FASN):c.5953C>T (p.Pro1985Ser)

Gene: FASN (fatty acid synthase; minus strand). Cytogenetic location: 17q25.3.
Variant type: single nucleotide variant.
Coding change: c.5953C>T on transcript NM_004104.5 (MANE Select); coding-DNA position 5953, C replaced by T.
Protein change: p.Pro1985Ser; replaces proline 1985 with serine.
Molecular consequence: missense variant.
Genome position (GRCh38, 1-based): chr17:82,082,381, G>A on the plus strand (C>T on the coding strand, the complement: FASN is on the minus strand). VCF-style: chr17-82082381-G-A. GRCh37 (hg19) VCF-style: chr17-80040257-G-A.
Other names: short protein forms P1985S.
Identifiers: ClinVar variation 647289 (VCV000647289.9), dbSNP rs1206085529, ClinGen allele CA401534753.